The following is an entry in ClinVar:

NM_017849.4(TMEM127):c.699C>T (p.Pro233=)

Gene: TMEM127 (transmembrane protein 127; minus strand). Cytogenetic location: 2q11.2.
Variant type: single nucleotide variant.
Coding change: c.699C>T on transcript NM_017849.4 (MANE Select); coding-DNA position 699, C replaced by T.
Protein change: p.Pro233=; no amino-acid change (proline 233 retained).
Molecular consequence: synonymous variant.
Genome position (GRCh38, 1-based): chr2:96,253,826, G>A on the plus strand (C>T on the coding strand, the complement: TMEM127 is on the minus strand). VCF-style: chr2-96253826-G-A. GRCh37 (hg19) VCF-style: chr2-96919564-G-A.
Other names: c.699C>T, p.Pro233= (NM_001193304.3); c.447C>T, p.Pro149= (NM_001407282.1, NM_001407283.1).
Identifiers: ClinVar variation 4955885 (VCV004955885.2).

ClinVar aggregate classification (germline): Benign/Likely benign. Review status: criteria provided, multiple submitters, no conflicts (2 of 4 stars). 2 submissions from 2 submitters: Benign (1); Likely benign (1). Last evaluated 2026-07-30.

Conditions:
Hereditary pheochromocytoma and paraganglioma. Also called: Hereditary Paraganglioma-Pheochromocytoma Syndromes; Hereditary paragangliomas and pheochromocytomas; Hereditary pheochromocytoma-paraganglioma. Identifiers: Orphanet 29072, MedGen C4274332, MONDO:0017366.

Submissions (2):

Myriad Genetics, Inc.
Classification: Benign for Hereditary pheochromocytoma and paraganglioma. Last evaluated: 2026-07-30. Review status: criteria provided, single submitter. Criteria: Myriad Autosomal Dominant, Autosomal Recessive and X-Linked Classification Criteria (2023). Collection method: clinical testing. Allele origin: unknown.
Comment: This variant is considered benign. This variant is a silent/synonymous amino acid change and it is not expected to impact splicing.

Blueprint Genetics
Classification: Likely benign. Last evaluated: 2023-11-16. Review status: criteria provided, single submitter. Criteria: ACMG Guidelines, 2015. Collection method: clinical testing. Allele origin: germline.